The following is an entry in ClinVar:

NM_001009999.3(KDM1A):c.197C>A (p.Pro66Gln)

Gene: KDM1A (lysine demethylase 1A; plus strand). Cytogenetic location: 1p36.12.
Variant type: single nucleotide variant.
Coding change: c.197C>A on transcript NM_001009999.3 (MANE Select); coding-DNA position 197, C replaced by A.
Protein change: p.Pro66Gln; replaces proline 66 with glutamine.
Molecular consequence: missense variant.
Genome position (GRCh38, 1-based): chr1:23,019,793, C>A. VCF-style: chr1-23019793-C-A. GRCh37 (hg19) VCF-style: chr1-23346286-C-A.
Other names: c.197C>A, p.Pro66Gln (NM_001363654.2, NM_001410762.1, NM_001410763.1 and 1 more transcripts); short protein forms P66Q.
Identifiers: ClinVar variation 4622689 (VCV004622689.1).
Genomic context (GRCh38, chr1:23,019,793, plus strand): 5'-GCCCAGCCGAGGTCGGGCCGGGGGCGGTGGGGGAGCGCACACCCCGCAAGAAAGAGCCTC[C>A]GCGGGCCTCGCCCCCCGGGGGCCTGGCGGAACCGCCGGGGTCCGCAGGGCCTCAGGCCGG-3'
Protein context (NP_001009999.1, residues 56-76): GERTPRKKEP[Pro66Gln]RASPPGGLAE

ClinVar aggregate classification (germline): Uncertain significance (1 of 4 stars; one submission).

Conditions:
Inborn genetic diseases. Identifiers: MedGen C0950123, MeSH D030342.

Submission:

Ambry Genetics
Classification: Uncertain significance for Inborn genetic diseases. Last evaluated: 2025-10-27. Review status: criteria provided, single submitter. Criteria: Ambry Variant Classification Scheme 2023. Collection method: clinical testing. Allele origin: germline.
Comment: The p.P66Q variant (also known as c.197C>A), located in coding exon 1 of the KDM1A gene, results from a C to A substitution at nucleotide position 197. The proline at codon 66 is replaced by glutamine, an amino acid with similar properties. This amino acid position is conserved. In addition, this alteration is predicted to be tolerated by in silico analysis. Based on the available evidence, the clinical significance of this variant remains unclear.